The following is an entry in ClinVar:

ClinVar aggregate classification (germline): Uncertain significance (1 of 4 stars; one submission).

Conditions:
DNA2-related disorder. Also called: DNA2-related condition.

gnomAD v4.1: 6 of 1,607,894 alleles (0.00037%); highest among the groups gnomAD compares: East Asian, 0.013%; no homozygotes.

Submission:

PreventionGenetics, part of Exact Sciences
Classification: Uncertain significance for DNA2-related condition. Last evaluated: 2025-09-24. Review status: criteria provided, single submitter. Criteria: ACMG Guidelines, 2015. Collection method: clinical testing. Allele origin: germline.
Comment: The DNA2 c.833T>C variant is predicted to result in the amino acid substitution p.Val278Ala. To our knowledge, this variant has not been reported in the literature. This variant is reported in 0.021% of alleles in individuals of East Asian descent in gnomAD. At this time, the clinical significance of this variant is uncertain due to the absence of conclusive functional and genetic evidence.

NM_001080449.3(DNA2):c.833T>C (p.Val278Ala)

Gene: DNA2 (DNA replication helicase/nuclease 2; minus strand). Cytogenetic location: 10q21.3.
Variant type: single nucleotide variant.
Coding change: c.833T>C on transcript NM_001080449.3 (MANE Select); coding-DNA position 833, T replaced by C.
Protein change: p.Val278Ala; replaces valine 278 with alanine.
Molecular consequence: missense variant. On other transcripts: non-coding transcript variant (1).
Genome position (GRCh38, 1-based): chr10:68,450,134, A>G on the plus strand (T>C on the coding strand, the complement: DNA2 is on the minus strand). VCF-style: chr10-68450134-A-G. GRCh37 (hg19) VCF-style: chr10-70209891-A-G.
Other names: short protein forms V278A.
Identifiers: ClinVar variation 4994040 (VCV004994040.1).